The following is an entry in ClinVar:

NM_018975.4(TERF2IP):c.420C>G (p.Asp140Glu)

Gene: TERF2IP (TERF2 interacting protein; plus strand). Cytogenetic location: 16q23.1.
Variant type: single nucleotide variant.
Coding change: c.420C>G on transcript NM_018975.4 (MANE Select); coding-DNA position 420, C replaced by G.
Protein change: p.Asp140Glu; replaces aspartic acid 140 with glutamic acid.
Molecular consequence: missense variant. On other transcripts: non-coding transcript variant (1).
Genome position (GRCh38, 1-based): chr16:75,648,302, C>G. VCF-style: chr16-75648302-C-G. GRCh37 (hg19) VCF-style: chr16-75682200-C-G.
Other names: short protein forms D140E.
Identifiers: ClinVar variation 3325427 (VCV003325427.1).
Genomic context (GRCh38, chr16:75,648,302, plus strand): 5'-GGGCGCCGCGGAGCCGGAGCCGCAGCGGCACGCCGGGCGGATCGCCTTCACGGATGCGGA[C>G]GACGTAGCCATCCTTACCTACGTGAAGGAAAATGCCCGCTCGCCCAGCTCCGTCACCGGT-3'
Protein context (NP_061848.2, residues 130-150): HAGRIAFTDA[Asp140Glu]DVAILTYVKE

ClinVar aggregate classification (germline): Uncertain significance (1 of 4 stars; one submission).

gnomAD v4.1: 2 of 1,555,492 alleles (0.00013%); highest among the groups gnomAD compares: South Asian, 0.0012%; no homozygotes.

Submission:

Ambry Genetics
Classification: Uncertain significance. Last evaluated: 2024-04-19. Review status: criteria provided, single submitter. Criteria: Ambry Variant Classification Scheme 2023. Collection method: clinical testing. Allele origin: germline.
Comment: The p.D140E variant (also known as c.420C>G), located in coding exon 1 of the TERF2IP gene, results from a C to G substitution at nucleotide position 420. The aspartic acid at codon 140 is replaced by glutamic acid, an amino acid with highly similar properties. This amino acid position is conserved. In addition, this alteration is predicted to be tolerated by in silico analysis. Based on the available evidence, the clinical significance of this variant remains unclear.